The following is an entry in ClinVar:

NM_002294.3(LAMP2):c.72_96del (p.Val24_Arg25insTer)

Gene: LAMP2 (lysosome associated membrane protein 2; minus strand). Cytogenetic location: Xq24.
Variant type: Deletion.
Coding change: c.72_96del on transcript NM_002294.3 (MANE Select); coding-DNA positions 72 to 96, 25 bases deleted (GCGGTCTTATGCATTGGAACTTAAT).
Protein change: p.Val24_Arg25insTer.
Molecular consequence: frameshift variant.
Genome position (GRCh38, 1-based): chrX:120,456,738-120,456,762, ATTAAGTTCCAATGCATAAGACCGC deleted on the plus strand (GCGGTCTTATGCATTGGAACTTAAT on the coding strand, the reverse complement: LAMP2 is on the minus strand); deleting any 25 consecutive bases within chrX:120,456,738-120,456,763 gives the same sequence; the c. name uses the placement nearest the transcript's 3' end. VCF-style (leftmost placement, unchanged base first): chrX-120456737-AATTAAGTTCCAATGCATAAGACCGC-A. GRCh37 (hg19) VCF-style: chrX-119590592-AATTAAGTTCCAATGCATAAGACCGC-A.
Other names: c.72_96del, p.Val24_Arg25insTer (NM_001122606.1, NM_013995.2).
Identifiers: ClinVar variation 2127569 (VCV002127569.4), dbSNP rs2520913421, ClinGen allele CA2580100339.

ClinVar aggregate classification (germline): Pathogenic (1 of 4 stars; one submission).

Conditions:
Danon disease. Also called: ANTOPOL DISEASE; Glycogen Storage Disease Type IIb; PSEUDOGLYCOGENOSIS II; GSD IIb; LYSOSOMAL GLYCOGEN STORAGE DISEASE WITHOUT ACID MALTASE DEFICIENCY. Identifiers: Orphanet 34587, MedGen C0878677, MONDO:0010281, OMIM 300257.

Submission:

Labcorp Genetics (formerly Invitae), Labcorp
Classification: Pathogenic for Danon disease. Last evaluated: 2022-04-18. Review status: criteria provided, single submitter. Criteria: Invitae Variant Classification Sherloc (09022015). Collection method: clinical testing. Allele origin: germline.
Comment: For these reasons, this variant has been classified as Pathogenic. Algorithms developed to predict the effect of sequence changes on RNA splicing suggest that this variant may disrupt the consensus splice site. This variant has not been reported in the literature in individuals affected with LAMP2-related conditions. This variant is not present in population databases (gnomAD no frequency). This sequence change creates a premature translational stop signal (p.Arg25*) in the LAMP2 gene. It is expected to result in an absent or disrupted protein product. Loss-of-function variants in LAMP2 are known to be pathogenic (PMID: 21415759).

Literature cited by the submitters: PubMed 21415759.